The following is an entry in ClinVar:

ClinVar aggregate classification (germline): Uncertain significance (1 of 4 stars; one submission).

Submission:

Labcorp Genetics (formerly Invitae), Labcorp
Classification: Uncertain significance. Last evaluated: 2024-05-25. Review status: criteria provided, single submitter. Criteria: Invitae Variant Classification Sherloc (09022015). Collection method: clinical testing. Allele origin: germline.
Comment: This sequence change replaces serine, which is neutral and polar, with glycine, which is neutral and non-polar, at codon 273 of the TANC2 protein (p.Ser273Gly). This variant is not present in population databases (gnomAD no frequency). This variant has not been reported in the literature in individuals affected with TANC2-related conditions. ClinVar contains an entry for this variant (Variation ID: 1997615). An algorithm developed to predict the effect of missense changes on protein structure and function (PolyPhen-2) suggests that this variant is likely to be disruptive. In summary, the available evidence is currently insufficient to determine the role of this variant in disease. Therefore, it has been classified as a Variant of Uncertain Significance.

NM_001394998.1(TANC2):c.1039A>G (p.Ser347Gly)

Gene: TANC2 (tetratricopeptide repeat, ankyrin repeat and coiled-coil containing 2; plus strand). Cytogenetic location: 17q23.3.
Variant type: single nucleotide variant.
Coding change: c.1039A>G on transcript NM_001394998.1 (MANE Select); coding-DNA position 1039, A replaced by G.
Protein change: p.Ser347Gly; replaces serine 347 with glycine.
Molecular consequence: missense variant.
Genome position (GRCh38, 1-based): chr17:63,267,753, A>G. VCF-style: chr17-63267753-A-G. GRCh37 (hg19) VCF-style: chr17-61345114-A-G.
Other names: c.817A>G, p.Ser273Gly (NM_001411076.1, NM_025185.4); short protein forms S347G, S273G.
Identifiers: ClinVar variation 1997615 (VCV001997615.4), dbSNP rs2509606110, ClinGen allele CA400793865.